The following is an entry in ClinVar:

ClinVar aggregate classification (germline): Conflicting classifications of pathogenicity. Review status: criteria provided, conflicting classifications (1 of 4 stars). 5 submissions from 5 submitters: Uncertain significance (1); Likely benign (4). Last evaluated 2026-01-27.

Conditions:
Primary ciliary dyskinesia 33. Also called: CILIARY DYSKINESIA, PRIMARY, 33, WITHOUT SITUS INVERSUS. Identifiers: Orphanet 244, MedGen C4225230, MONDO:0014750, OMIM 616726.
Inborn genetic diseases. Identifiers: MedGen C0950123, MeSH D030342.

Allele frequency attached by ClinVar (database versions not stated): 1000 Genomes Project 30x 0.00016; TOPMed 0.00116; gnomAD 0.00148 and 0.00150; gnomAD exomes 0.00180 and 0.00195; ExAC 0.00206; ESP Exome Variant Server 0.00208.
gnomAD v4.1: 3,041 of 1,613,844 alleles (0.19%); highest among the groups gnomAD compares: South Asian, 0.36%; 12 homozygotes.

Submissions (5):

Labcorp Genetics (formerly Invitae), Labcorp
Classification: Likely benign for Primary ciliary dyskinesia 33. Last evaluated: 2026-01-27. Review status: criteria provided, single submitter. Criteria: Invitae Variant Classification Sherloc (09022015). Collection method: clinical testing. Allele origin: germline.

ARUP Laboratories, Molecular Genetics and Genomics, ARUP Laboratories
Classification: Likely benign. Last evaluated: 2025-07-11. Review status: criteria provided, single submitter. Criteria: ARUP Molecular Germline Variant Investigation Process 2024. Collection method: clinical testing. Allele origin: germline.

CeGaT Center for Human Genetics Tuebingen
Classification: Likely benign. Last evaluated: 2024-04-01. Review status: criteria provided, single submitter. Criteria: CeGaT Center For Human Genetics Tuebingen Variant Classification Criteria Version 2. Collection method: clinical testing. Allele origin: germline. Affected: yes. Observed: 2 variant alleles.
Comment: DRC4: BP4, BS2

Ambry Genetics
Classification: Uncertain significance for Inborn genetic diseases. Last evaluated: 2024-01-23. Review status: criteria provided, single submitter. Criteria: Ambry Variant Classification Scheme 2023. Collection method: clinical testing. Allele origin: germline.

GeneDx
Classification: Likely benign. Last evaluated: 2020-06-18. Review status: criteria provided, single submitter. Criteria: GeneDx Variant Classification Process June 2021. Collection method: clinical testing. Allele origin: germline. Affected: yes.

NM_001481.3(DRC4):c.808G>C (p.Ala270Pro)

Gene: DRC4 (dynein regulatory complex subunit 4; plus strand). Cytogenetic location: 16q24.3.
Variant type: single nucleotide variant.
Coding change: c.808G>C on transcript NM_001481.3 (MANE Select); coding-DNA position 808, G replaced by C.
Protein change: p.Ala270Pro; replaces alanine 270 with proline.
Molecular consequence: missense variant.
Genome position (GRCh38, 1-based): chr16:90,037,283, G>C. VCF-style: chr16-90037283-G-C. GRCh37 (hg19) VCF-style: chr16-90103691-G-C.
Other names: c.559G>C, p.Ala187Pro (NM_001286205.2); c.232G>C, p.Ala78Pro (NM_001286208.2); c.733G>C, p.Ala245Pro (NM_001286209.2); short protein forms A245P, A270P, A187P, A78P.
Identifiers: ClinVar variation 475568 (VCV000475568.56), dbSNP rs141125763, ClinGen allele CA8257988.